The following is an entry in ClinVar:

ClinVar aggregate classification (germline): Uncertain significance (1 of 4 stars; one submission).

Conditions:
Joubert syndrome 21 (JBTS21). Identifiers: MedGen C3810212, MONDO:0014288, OMIM 615636.

Allele frequency attached by ClinVar (database versions not stated): ExAC 0.00001; gnomAD exomes 0.00001; TOPMed 0.00003; gnomAD 0.00004; ESP Exome Variant Server 0.00008.
gnomAD v4.1: 8 of 1,613,972 alleles (0.0005%); highest among the groups gnomAD compares: African/African-American, 0.008%; no homozygotes.

Submission:

Labcorp Genetics (formerly Invitae), Labcorp
Classification: Uncertain significance for Joubert syndrome 21. Last evaluated: 2022-04-18. Review status: criteria provided, single submitter. Criteria: Invitae Variant Classification Sherloc (09022015). Collection method: clinical testing. Allele origin: germline.
Comment: In summary, the available evidence is currently insufficient to determine the role of this variant in disease. Therefore, it has been classified as a Variant of Uncertain Significance. This sequence change replaces proline, which is neutral and non-polar, with threonine, which is neutral and polar, at codon 473 of the CSPP1 protein (p.Pro473Thr). This variant is present in population databases (rs371566997, gnomAD 0.01%). This variant has not been reported in the literature in individuals affected with CSPP1-related conditions. Algorithms developed to predict the effect of missense changes on protein structure and function are either unavailable or do not agree on the potential impact of this missense change (SIFT: "Deleterious"; PolyPhen-2: "Benign"; Align-GVGD: "Class C0").

NM_001382391.1(CSPP1):c.1432C>A (p.Pro478Thr)

Gene: CSPP1 (centrosome and spindle pole associated protein 1; plus strand). Cytogenetic location: 8q13.2.
Variant type: single nucleotide variant.
Coding change: c.1432C>A on transcript NM_001382391.1 (MANE Select); coding-DNA position 1432, C replaced by A.
Protein change: p.Pro478Thr; replaces proline 478 with threonine.
Molecular consequence: missense variant.
Genome position (GRCh38, 1-based): chr8:67,116,058, C>A. VCF-style: chr8-67116058-C-A. GRCh37 (hg19) VCF-style: chr8-68028293-C-A.
Other names: c.535C>A, p.Pro179Thr (NM_001291339.2); c.1351C>A, p.Pro451Thr (NM_001363131.2); c.1390C>A, p.Pro464Thr (NM_001363132.2); c.1309C>A, p.Pro437Thr (NM_001363133.2); c.1498C>A, p.Pro500Thr (NM_001364869.1); c.1318C>A, p.Pro440Thr (NM_001364870.1); c.1417C>A, p.Pro473Thr (NM_024790.7); short protein forms P179T, P437T, P478T, P440T, P500T, P473T, P451T, P464T.
Identifiers: ClinVar variation 1425411 (VCV001425411.7), dbSNP rs371566997, ClinGen allele CA4770536.
Genomic context (GRCh38, chr8:67,116,058, plus strand): 5'-ACACCTCTCCCTCCTTTATCTGCCCCATCTGTCCCACCCATCCCATCAGTTCATCCTGTT[C>A]CTTCTCAAAATGAAGATTTGCGCAGTGGACTCAGCAGCGCCCTTGGTGAAATGGTGTCTC-3'
Protein context (NP_001369320.1, residues 468-488): VPPIPSVHPV[Pro478Thr]SQNEDLRSGL